The following is an entry in ClinVar:

ClinVar aggregate classification (germline): Likely benign (0 of 4 stars; one submission).

Conditions:
PLXNA1-related disorder. Also called: PLXNA1-related condition.

Allele frequency attached by ClinVar (database versions not stated): ExAC 0.00001; TOPMed 0.00003; gnomAD 0.00004.
gnomAD v4.1: 121 of 1,601,788 alleles (0.0076%); highest among the groups gnomAD compares: Non-Finnish European, 0.0096%; no homozygotes.

Submission:

PreventionGenetics, part of Exact Sciences
Classification: Likely benign for PLXNA1-related condition. Last evaluated: 2022-10-24. Review status: no assertion criteria provided. Collection method: clinical testing. Allele origin: germline.
Comment: This variant is classified as likely benign based on ACMG/AMP sequence variant interpretation guidelines (Richards et al. 2015 PMID: 25741868, with internal and published modifications).

NM_032242.4(PLXNA1):c.2607G>C (p.Leu869=)

Gene: PLXNA1 (plexin A1; plus strand). Cytogenetic location: 3q21.3.
Variant type: single nucleotide variant.
Coding change: c.2607G>C on transcript NM_032242.4 (MANE Select); coding-DNA position 2607, G replaced by C.
Protein change: p.Leu869=; no amino-acid change (leucine 869 retained).
Molecular consequence: synonymous variant.
Genome position (GRCh38, 1-based): chr3:127,014,480, G>C. VCF-style: chr3-127014480-G-C. GRCh37 (hg19) VCF-style: chr3-126733323-G-C.
Identifiers: ClinVar variation 3031398 (VCV003031398.2), dbSNP rs755647468, ClinGen allele CA2593703.